The following is an entry in ClinVar:

ClinVar aggregate classification (germline): Uncertain significance (1 of 4 stars; one submission).

Allele frequency attached by ClinVar (database versions not stated): gnomAD 0.00001; ExAC 0.00002; TOPMed 0.00003; ESP Exome Variant Server 0.00015.
gnomAD v4.1: 8 of 1,613,790 alleles (0.0005%); highest among the groups gnomAD compares: African/African-American, 0.004%; no homozygotes.

Submission:

Labcorp Genetics (formerly Invitae), Labcorp
Classification: Uncertain significance. Last evaluated: 2021-08-26. Review status: criteria provided, single submitter. Criteria: Invitae Variant Classification Sherloc (09022015). Collection method: clinical testing. Allele origin: germline.
Comment: This sequence change replaces isoleucine with leucine at codon 143 of the ACBD5 protein (p.Ile143Leu). The isoleucine residue is moderately conserved and there is a small physicochemical difference between isoleucine and leucine. This variant is present in population databases (rs377238425, ExAC 0.003%). This variant has not been reported in the literature in individuals affected with ACBD5-related conditions. Algorithms developed to predict the effect of missense changes on protein structure and function (SIFT, PolyPhen-2, Align-GVGD) all suggest that this variant is likely to be tolerated. In summary, the available evidence is currently insufficient to determine the role of this variant in disease. Therefore, it has been classified as a Variant of Uncertain Significance.

NM_145698.5(ACBD5):c.427A>T (p.Ile143Leu)

Gene: ACBD5 (acyl-CoA binding domain containing 5; minus strand). Cytogenetic location: 10p12.1.
Variant type: single nucleotide variant.
Coding change: c.427A>T on transcript NM_145698.5 (MANE Select); coding-DNA position 427, A replaced by T.
Protein change: p.Ile143Leu; replaces isoleucine 143 with leucine.
Molecular consequence: missense variant.
Genome position (GRCh38, 1-based): chr10:27,223,401, T>A on the plus strand (A>T on the coding strand, the complement: ACBD5 is on the minus strand). VCF-style: chr10-27223401-T-A. GRCh37 (hg19) VCF-style: chr10-27512330-T-A.
Other names: c.322A>T, p.Ile108Leu (NM_001042473.4, NM_001352574.2, NM_001352575.2 and 6 more transcripts); c.421A>T, p.Ile141Leu (NM_001271512.3, NM_001352571.1, NM_001352586.1 and 1 more transcripts); c.100A>T, p.Ile34Leu (NM_001301251.2, NM_001301252.2, NM_001301253.2 and 4 more transcripts); c.448A>T, p.Ile150Leu (NM_001352568.1, NM_001352572.1); c.427A>T, p.Ile143Leu (NM_001352569.1, NM_001352570.1, NM_001352573.1 and 2 more transcripts); short protein forms I108L, I141L, I143L, I150L, I34L.
Identifiers: ClinVar variation 1020244 (VCV001020244.6), dbSNP rs377238425, ClinGen allele CA5450956.